The following is an entry in ClinVar:

ClinVar aggregate classification (germline): Conflicting classifications of pathogenicity. Review status: criteria provided, conflicting classifications (1 of 4 stars). 2 submissions from 2 submitters: Uncertain significance (1); Likely benign (1). Last evaluated 2024-11-18.

Conditions:
Intellectual disability. Also called: Intellectual developmental disorder; Intellectual functioning disability; intellectual disabilities. Identifiers: MedGen C3714756, MeSH D008607, MONDO:0001071, HP:0001249.

Allele frequency attached by ClinVar (database versions not stated): ExAC 0.00001; TOPMed 0.00002; gnomAD 0.00004.

Submissions (2):

Labcorp Genetics (formerly Invitae), Labcorp
Classification: Likely benign for Intellectual disability. Last evaluated: 2024-11-18. Review status: criteria provided, single submitter. Criteria: Invitae Variant Classification Sherloc (09022015). Collection method: clinical testing. Allele origin: germline.

GeneDx
Classification: Uncertain significance. Last evaluated: 2018-06-05. Review status: criteria provided, single submitter. Criteria: GeneDx Variant Classification (06012015). Collection method: clinical testing. Allele origin: germline. Affected: yes.
Comment: A variant of uncertain significance has been identified in the GABRB2 gene. The R337C variant has not been published as a pathogenic variant, nor has it been reported as a benign variant to our knowledge. The R337C variant is not observed at a significant frequency in large population cohorts (Lek et al., 2016; 1000 Genomes Consortium et al., 2015; Exome Variant Server). The R337C variant is a non-conservative amino acid substitution, which is likely to impact secondary protein structure as these residues differ in polarity, charge, size and/or other properties. This substitution occurs at a position that is conserved across species and in silico analysis predicts this variant is probably damaging to the protein structure/function. However, missense variants in nearby residues have not been reported in Human Gene Mutation Database in association with GABRB2-related disorders (Stenson et al., 2014). Therefore, based on the currently available information, it is unclear whether this variant is a pathogenic variant or a rare benign variant.

NM_001371727.1(GABRB2):c.1009C>T (p.Arg337Cys)

Gene: GABRB2 (gamma-aminobutyric acid type A receptor subunit beta2; minus strand). Cytogenetic location: 5q34.
Variant type: single nucleotide variant.
Coding change: c.1009C>T on transcript NM_001371727.1 (MANE Select); coding-DNA position 1009, C replaced by T.
Protein change: p.Arg337Cys; replaces arginine 337 with cysteine.
Molecular consequence: missense variant.
Genome position (GRCh38, 1-based): chr5:161,330,951, G>A on the plus strand (C>T on the coding strand, the complement: GABRB2 is on the minus strand). VCF-style: chr5-161330951-G-A. GRCh37 (hg19) VCF-style: chr5-160757958-G-A.
Other names: c.1009C>T, p.Arg337Cys (NM_000813.3, NM_021911.3); short protein forms R337C.
Identifiers: ClinVar variation 430429 (VCV000430429.7), dbSNP rs777778428, ClinGen allele CA3543446.
Genomic context (GRCh38, chr5:161,330,951, plus strand): 5'-CATCCAGGCGCATCTTCTCATTGTTGGCACTGGCAGCCTTCTCAGCTGCTTTCTTTTGGC[G>A]TTGGGGCCCCCTCCCAAAGAAGATGTAGTTGACTAGGGCATATTCCAGAAGGGCCATGAA-3'
Protein context (NP_001358656.1, residues 327-347): NYIFFGRGPQ[Arg337Cys]QKKAAEKAAS